The following is an entry in ClinVar:

NM_001127222.2(CACNA1A):c.6660C>T (p.Pro2220=)

Gene: CACNA1A (calcium voltage-gated channel subunit alpha1 A; minus strand). Cytogenetic location: 19p13.13.
Variant type: single nucleotide variant.
Coding change: c.6660C>T on transcript NM_001127222.2 (MANE Select); coding-DNA position 6660, C replaced by T.
Protein change: p.Pro2220=; no amino-acid change (proline 2220 retained).
Molecular consequence: synonymous variant.
Genome position (GRCh38, 1-based): chr19:13,208,876, G>A on the plus strand (C>T on the coding strand, the complement: CACNA1A is on the minus strand). VCF-style: chr19-13208876-G-A. GRCh37 (hg19) VCF-style: chr19-13319690-G-A.
Other names: c.6678C>T, p.Pro2226= (NM_000068.4, NM_023035.3); c.6663C>T, p.Pro2221= (NM_001127221.2); c.6669C>T, p.Pro2223= (NM_001174080.2).
Identifiers: ClinVar variation 4681557 (VCV004681557.5).

ClinVar aggregate classification (germline): Likely benign (1 of 4 stars; one submission).

gnomAD v4.1: 3 of 1,518,368 alleles (0.0002%); highest among the groups gnomAD compares: Non-Finnish European, 0.00018%; no homozygotes.

Submission:

CeGaT Center for Human Genetics Tuebingen
Classification: Likely benign. Last evaluated: 2025-12-01. Review status: criteria provided, single submitter. Criteria: CeGaT Center For Human Genetics Tuebingen Variant Classification Criteria Version 2. Collection method: clinical testing. Allele origin: germline. Affected: yes. Observed: 1 variant allele.
Comment: CACNA1A: BP4, BP7